The following is an entry in ClinVar:

ClinVar aggregate classification (germline): Uncertain significance (1 of 4 stars; one submission).

gnomAD v4.1: 3 of 1,605,720 alleles (0.00019%); highest among the groups gnomAD compares: Non-Finnish European, 0.00026%; no homozygotes.

Submission:

Labcorp Genetics (formerly Invitae), Labcorp
Classification: Uncertain significance. Last evaluated: 2025-01-27. Review status: criteria provided, single submitter. Criteria: Invitae Variant Classification Sherloc (09022015). Collection method: clinical testing. Allele origin: germline.
Comment: This sequence change replaces glutamic acid, which is acidic and polar, with lysine, which is basic and polar, at codon 678 of the RHOBTB2 protein (p.Glu678Lys). This variant also falls at the last nucleotide of exon 11, which is part of the consensus splice site for this exon. This variant is not present in population databases (gnomAD no frequency). This variant has not been reported in the literature in individuals affected with RHOBTB2-related conditions. An algorithm developed to predict the effect of missense changes on protein structure and function (PolyPhen-2) suggests that this variant is likely to be disruptive. Variants that disrupt the consensus splice site are a relatively common cause of aberrant splicing (PMID: 17576681, 9536098). In summary, the available evidence is currently insufficient to determine the role of this variant in disease. Therefore, it has been classified as a Variant of Uncertain Significance.

Literature cited by the submitters: PubMed 17576681; PubMed 9536098.

NM_015178.3(RHOBTB2):c.1966G>A (p.Glu656Lys)

Gene: RHOBTB2 (Rho related BTB domain containing 2; plus strand). Cytogenetic location: 8p21.3.
Variant type: single nucleotide variant.
Coding change: c.1966G>A on transcript NM_015178.3 (MANE Select); coding-DNA position 1966, G replaced by A.
Protein change: p.Glu656Lys; replaces glutamic acid 656 with lysine.
Molecular consequence: missense variant.
Genome position (GRCh38, 1-based): chr8:23,015,743, G>A. VCF-style: chr8-23015743-G-A. GRCh37 (hg19) VCF-style: chr8-22873256-G-A.
Other names: c.2032G>A, p.Glu678Lys (NM_001160036.2); c.1987G>A, p.Glu663Lys (NM_001160037.2); c.1966G>A, p.Glu656Lys (NM_001374791.1); short protein forms E663K, E656K, E678K.
Identifiers: ClinVar variation 3686179 (VCV003686179.2).